The following is an entry in ClinVar:

ClinVar aggregate classification (germline): Uncertain significance. Review status: criteria provided, multiple submitters, no conflicts (2 of 4 stars). 2 submissions from 2 submitters: Uncertain significance (2). Last evaluated 2025-12-21.

Conditions:
Dilated cardiomyopathy 1G (CMD1G). Identifiers: Orphanet 154, MedGen C1858763, MONDO:0011400, OMIM 604145.
Autosomal recessive limb-girdle muscular dystrophy type 2J (LGMDR10). Also called: Limb-girdle muscular dystrophy, type 2J; MUSCULAR DYSTROPHY, LIMB-GIRDLE, AUTOSOMAL RECESSIVE 10. Identifiers: Orphanet 140922, MedGen C1837342, MONDO:0012127, OMIM 608807.

Allele frequency attached by ClinVar (database versions not stated): gnomAD exomes below 0.00001; TOPMed 0.00001.
gnomAD v4.1: 4 of 1,613,940 alleles (0.00025%); highest among the groups gnomAD compares: Middle Eastern, 0.016%; no homozygotes.

Submissions (2):

Labcorp Genetics (formerly Invitae), Labcorp
Classification: Uncertain significance for Dilated cardiomyopathy 1G; Autosomal recessive limb-girdle muscular dystrophy type 2J. Last evaluated: 2025-12-21. Review status: criteria provided, single submitter. Criteria: Invitae Variant Classification Sherloc (09022015). Collection method: clinical testing. Allele origin: germline.
Comment: This sequence change replaces isoleucine, which is neutral and non-polar, with threonine, which is neutral and polar, at codon 34135 of the TTN protein (p.Ile34135Thr). This variant is not present in population databases (gnomAD no frequency). This variant has not been reported in the literature in individuals affected with TTN-related conditions. ClinVar contains an entry for this variant (Variation ID: 838400). Experimental studies and prediction algorithms are not available or were not evaluated, and the functional significance of this variant is currently unknown. This variant is located in the M band of TTN (PMID: 25589632). Non-truncating variants in this region may be relevant for neuromuscular disorders, but have not been definitively shown to cause cardiomyopathy (PMID: 23975875). In summary, the available evidence is currently insufficient to determine the role of this variant in disease. Therefore, it has been classified as a Variant of Uncertain Significance.

Revvity Omics, Revvity
Classification: Uncertain significance. Last evaluated: 2023-10-27. Review status: criteria provided, single submitter. Criteria: ACMG Guidelines, 2015. Collection method: clinical testing. Allele origin: germline.

Literature cited by the submitters: PubMed 25589632 (cited by Labcorp Genetics (formerly Invitae), Labcorp); PubMed 23975875 (cited by Labcorp Genetics (formerly Invitae), Labcorp).

NM_001267550.2(TTN):c.102404T>C (p.Ile34135Thr)

Genes: TTN-AS1 (TTN antisense RNA 1; plus strand), TTN (titin; minus strand). Cytogenetic location: 2q31.2.
Variant type: single nucleotide variant.
Coding change: c.102404T>C on transcript NM_001267550.2 (MANE Select); coding-DNA position 102404, T replaced by C.
Protein change: p.Ile34135Thr; replaces isoleucine 34135 with threonine.
Molecular consequence: missense variant.
Genome position (GRCh38, 1-based): chr2:178,534,211, A>G on the plus strand (T>C on the coding strand, the complement: TTN is on the minus strand). VCF-style: chr2-178534211-A-G. GRCh37 (hg19) VCF-style: chr2-179398938-A-G.
Other names: c.75785T>C, p.Ile25262Thr (NM_133437.4); c.97481T>C, p.Ile32494Thr (NM_001256850.1); c.75209T>C, p.Ile25070Thr (NM_003319.4); c.94700T>C, p.Ile31567Thr (NM_133378.4); c.75584T>C, p.Ile25195Thr (NM_133432.3); short protein forms I25070T, I25195T, I25262T, I32494T, I31567T, I34135T.
Identifiers: ClinVar variation 838400 (VCV000838400.11), dbSNP rs917268577, ClinGen allele CA60959242.